The following is an entry in ClinVar:

ClinVar aggregate classification (germline): Benign/Likely benign. Review status: criteria provided, multiple submitters, no conflicts (2 of 4 stars). 26 submissions from 19 submitters: Benign (17); Likely benign (3). 6 of the submissions do not count toward it. Last evaluated 2026-02-03.

Conditions:
TTN-related disorder. Also called: TTN-related disorders; TTN-related condition; TTN-related disease.
Cardiovascular phenotype. Identifiers: MedGen CN230736.
Dilated cardiomyopathy 1G (CMD1G). Identifiers: Orphanet 154, MedGen C1858763, MONDO:0011400, OMIM 604145.
Autosomal recessive limb-girdle muscular dystrophy type 2J (LGMDR10). Also called: Limb-girdle muscular dystrophy, type 2J; MUSCULAR DYSTROPHY, LIMB-GIRDLE, AUTOSOMAL RECESSIVE 10. Identifiers: Orphanet 140922, MedGen C1837342, MONDO:0012127, OMIM 608807.
Cardiomyopathy (CMYO). Also called: Cardiomyopathies. Identifiers: Orphanet 167848, MedGen C0878544, MONDO:0004994, HP:0001638. Inheritance: Various modes of inheritance.
Early-onset myopathy with fatal cardiomyopathy (CMYO5). Also called: CONGENITAL MYOPATHY 5 WITH CARDIOMYOPATHY; Salih Myopathy. Identifiers: Orphanet 289377, MedGen C2673677, MONDO:0012714, OMIM 611705. Disease mechanism: loss of function.
Myopathy, myofibrillar, 9, with early respiratory failure (MFM9). Also called: MYOPATHY, PROXIMAL, WITH EARLY RESPIRATORY MUSCLE INVOLVEMENT; Myopathy, distal, with early respiratory failure, autosomal dominant; Hereditary myopathy with early respiratory failure; EDSTROM MYOPATHY. Identifiers: Orphanet 178464, Orphanet 34521, MedGen C1863599, MONDO:0011362, OMIM 603689.
Tibial muscular dystrophy (TMD). Also called: Tibial muscular dystrophy, tardive; UDD MYOPATHY; Udd Distal Myopathy – Tibial Muscular Dystrophy. Identifiers: Orphanet 609, MedGen C1838244, MONDO:0010870, OMIM 600334.

Allele frequency attached by ClinVar (database versions not stated): gnomAD exomes 0.00129 and 0.00286; ExAC 0.00337; ESP Exome Variant Server 0.00882; gnomAD 0.00960 and 0.01031; TOPMed 0.01075; 1000 Genomes Project 0.01178; 1000 Genomes Project 30x 0.01234.
gnomAD v4.1: 3,407 of 1,607,268 alleles (0.21%); highest among the groups gnomAD compares: African/African-American, 3.3%; 54 homozygotes.

Submissions (26):

Labcorp Genetics (formerly Invitae), Labcorp
Classification: Benign for Dilated cardiomyopathy 1G; Autosomal recessive limb-girdle muscular dystrophy type 2J. Last evaluated: 2026-02-03. Review status: criteria provided, single submitter. Criteria: Invitae Variant Classification Sherloc (09022015). Collection method: clinical testing. Allele origin: germline.

ARUP Laboratories, Molecular Genetics and Genomics, ARUP Laboratories
Classification: Benign. Last evaluated: 2025-05-15. Review status: criteria provided, single submitter. Criteria: ARUP Molecular Germline Variant Investigation Process 2024. Collection method: clinical testing. Allele origin: germline.

Molecular Diagnostic Laboratory for Inherited Cardiovascular Disease, Montreal Heart Institute
Classification: Benign. Last evaluated: 2025-04-09. Review status: criteria provided, single submitter. Criteria: ACMG Guidelines, 2015. Collection method: clinical testing. Allele origin: germline. Affected: no.

Athena Diagnostics
Classification: Benign. Last evaluated: 2024-04-15. Review status: criteria provided, single submitter. Criteria: Athena Diagnostics Criteria. Collection method: clinical testing. Allele origin: unknown.

Mayo Clinic Laboratories, Mayo Clinic
Classification: Benign. Last evaluated: 2022-10-20. Review status: criteria provided, single submitter. Criteria: ACMG Guidelines, 2015. Collection method: clinical testing. Allele origin: germline. Observed: 19 variant alleles.

Genome-Nilou Lab
Classification: Benign for Autosomal recessive limb-girdle muscular dystrophy type 2J. Last evaluated: 2021-09-10. Review status: criteria provided, single submitter. Criteria: ACMG Guidelines, 2015. Collection method: clinical testing. Allele origin: germline. Affected: no.

Genome-Nilou Lab
Classification: Benign for Myopathy, myofibrillar, 9, with early respiratory failure. Last evaluated: 2021-09-10. Review status: criteria provided, single submitter. Criteria: ACMG Guidelines, 2015. Collection method: clinical testing. Allele origin: germline. Affected: no.

Genome-Nilou Lab
Classification: Benign for Early-onset myopathy with fatal cardiomyopathy. Last evaluated: 2021-09-10. Review status: criteria provided, single submitter. Criteria: ACMG Guidelines, 2015. Collection method: clinical testing. Allele origin: germline. Affected: no.

Genome-Nilou Lab
Classification: Benign for Tibial muscular dystrophy. Last evaluated: 2021-09-10. Review status: criteria provided, single submitter. Criteria: ACMG Guidelines, 2015. Collection method: clinical testing. Allele origin: germline. Affected: no.

Women's Health and Genetics/Laboratory Corporation of America, LabCorp
Classification: Benign. Last evaluated: 2019-09-14. Review status: criteria provided, single submitter. Criteria: LabCorp Variant Classification Summary - May 2015. Collection method: clinical testing. Allele origin: germline.

Illumina Laboratory Services, Illumina
Classification: Benign for Tibial muscular dystrophy. Last evaluated: 2018-01-13. Review status: criteria provided, single submitter. Criteria: ICSL Variant Classification Criteria 13 December 2019. Collection method: clinical testing. Allele origin: germline.
Comment: This variant was observed in the ICSL laboratory as part of a predisposition screen in an ostensibly healthy population. It had not been previously curated by ICSL or reported in the Human Gene Mutation Database (HGMD: prior to June 1st, 2018), and was therefore a candidate for classification through an automated scoring system. Utilizing variant allele frequency, disease prevalence and penetrance estimates, and inheritance mode, an automated score was calculated to assess if this variant is too frequent to cause the disease. Based on the score and internal cut-off values, a variant classified as benign is not then subjected to further curation. The score for this variant resulted in a classification of benign for this disease.

Illumina Laboratory Services, Illumina
Classification: Likely benign for Autosomal recessive limb-girdle muscular dystrophy type 2J. Last evaluated: 2018-01-13. Review status: criteria provided, single submitter. Criteria: ICSL Variant Classification Criteria 13 December 2019. Collection method: clinical testing. Allele origin: germline.
Comment: This variant was observed in the ICSL laboratory as part of a predisposition screen in an ostensibly healthy population. It had not been previously curated by ICSL or reported in the Human Gene Mutation Database (HGMD: prior to June 1st, 2018), and was therefore a candidate for classification through an automated scoring system. Utilizing variant allele frequency, disease prevalence and penetrance estimates, and inheritance mode, an automated score was calculated to assess if this variant is too frequent to cause the disease. Based on the score and internal cut-off values, a variant classified as likely benign is not then subjected to further curation. The score for this variant resulted in a classification of likely benign for this disease.

Illumina Laboratory Services, Illumina
Classification: Benign for Early-onset myopathy with fatal cardiomyopathy. Last evaluated: 2018-01-13. Review status: criteria provided, single submitter. Criteria: ICSL Variant Classification Criteria 13 December 2019. Collection method: clinical testing. Allele origin: germline.
Comment: the same text as in the submission from Illumina Laboratory Services, Illumina above.

Illumina Laboratory Services, Illumina
Classification: Likely benign for Dilated cardiomyopathy 1G. Last evaluated: 2018-01-13. Review status: criteria provided, single submitter. Criteria: ICSL Variant Classification Criteria 13 December 2019. Collection method: clinical testing. Allele origin: germline.
Comment: the same text as in the submission from Illumina Laboratory Services, Illumina above.

Illumina Laboratory Services, Illumina
Classification: Benign for Myopathy, myofibrillar, 9, with early respiratory failure. Last evaluated: 2018-01-13. Review status: criteria provided, single submitter. Criteria: ICSL Variant Classification Criteria 13 December 2019. Collection method: clinical testing. Allele origin: germline.
Comment: the same text as in the submission from Illumina Laboratory Services, Illumina above.

CHEO Genetics Diagnostic Laboratory, Children's Hospital of Eastern Ontario
Classification: Benign for Cardiomyopathy. Last evaluated: 2016-03-02. Review status: criteria provided, single submitter. Criteria: ACMG Guidelines, 2015. Collection method: clinical testing. Allele origin: germline. Study: Canadian Open Genetics Repository.

GeneDx
Classification: Benign. Last evaluated: 2013-04-30. Review status: criteria provided, single submitter. Criteria: GeneDx Variant Classification (06012015). Collection method: clinical testing. Allele origin: germline. Affected: yes.
Comment: This variant is considered likely benign or benign based on one or more of the following criteria: it is a conservative change, it occurs at a poorly conserved position in the protein, it is predicted to be benign by multiple in silico algorithms, and/or has population frequency not consistent with disease.

Ambry Genetics
Classification: Benign for Cardiovascular phenotype. Last evaluated: 2012-12-14. Review status: criteria provided, single submitter. Criteria: Ambry Autosomal Dominant and X-Linked criteria (10/2015). Collection method: clinical testing. Allele origin: germline. Observed: 1 variant allele.

Laboratory for Molecular Medicine, Mass General Brigham Personalized Medicine
Classification: Benign. Last evaluated: 2012-11-30. Review status: criteria provided, single submitter. Criteria: LMM Criteria. Collection method: clinical testing. Allele origin: germline. Observed: 12 variant alleles.
Comment: Pro25583Pro in exon 275 of TTN: This variant is not expected to have clinical si gnificance because it does not alter an amino acid residue and is not located wi thin the splice consensus sequence. It has been identified in 2.7% (102/3794) of African American chromosomes from a broad population by the NHLBI Exome Sequenc ing Project (dbSNP rs73036373). Pro25583Pro in exon 275 of TTN (rs73036373; allele frequency = 2.7%, 102/3794)

Breakthrough Genomics
Classification: Likely benign. Review status: criteria provided, single submitter. Criteria: ACMG Guidelines, 2015. Collection method: not provided. Allele origin: germline. Inheritance: Autosomal recessive inheritance. Affected: yes.

PreventionGenetics, part of Exact Sciences
Classification: Benign for TTN-related condition. Last evaluated: 2019-05-29. Review status: no assertion criteria provided. Collection method: clinical testing. Allele origin: germline. Not counted in ClinVar's aggregate classification.
Comment: This variant is classified as benign based on ACMG/AMP sequence variant interpretation guidelines (Richards et al. 2015 PMID: 25741868, with internal and published modifications).

Clinical Genetics DNA and cytogenetics Diagnostics Lab, Erasmus MC, Erasmus Medical Center
Classification: Benign. Review status: no assertion criteria provided. Collection method: clinical testing. Allele origin: germline. Affected: yes. Study: VKGL Data-share Consensus. Not counted in ClinVar's aggregate classification.

Clinical Genetics, Academic Medical Center
Classification: Benign. Review status: no assertion criteria provided. Collection method: clinical testing. Allele origin: germline. Affected: yes. Study: VKGL Data-share Consensus. Not counted in ClinVar's aggregate classification.

Diagnostic Laboratory, Department of Genetics, University Medical Center Groningen
Classification: Likely benign. Review status: no assertion criteria provided. Collection method: clinical testing. Allele origin: germline. Affected: yes. Study: VKGL Data-share Consensus. Not counted in ClinVar's aggregate classification.

Genetic Services Laboratory, University of Chicago
Classification: Likely benign for AllHighlyPenetrant. Review status: no assertion criteria provided. Collection method: clinical testing. Allele origin: germline. Not counted in ClinVar's aggregate classification.
Comment: Likely benign based on allele frequency in 1000 Genomes Project or ESP global frequency and its presence in a patient with a rare or unrelated disease phenotype. NOT Sanger confirmed.

Laboratory of Diagnostic Genome Analysis, Leiden University Medical Center (LUMC)
Classification: Likely benign. Review status: no assertion criteria provided. Collection method: clinical testing. Allele origin: germline. Affected: yes. Study: VKGL Data-share Consensus. Not counted in ClinVar's aggregate classification.

NM_001267550.2(TTN):c.84453A>G (p.Pro28151=)

Genes: TTN-AS1 (TTN antisense RNA 1; plus strand), TTN (titin; minus strand). Cytogenetic location: 2q31.2.
Variant type: single nucleotide variant.
Coding change: c.84453A>G on transcript NM_001267550.2 (MANE Select); coding-DNA position 84453, A replaced by G.
Protein change: p.Pro28151=; no amino-acid change (proline 28151 retained).
Molecular consequence: synonymous variant.
Genome position (GRCh38, 1-based): chr2:178,561,679, T>C on the plus strand (A>G on the coding strand, the complement: TTN is on the minus strand). VCF-style: chr2-178561679-T-C. GRCh37 (hg19) VCF-style: chr2-179426406-T-C.
Other names: p.P25583P:CCA>CCG; p.Pro25583=; c.79530A>G, p.Pro26510= (NM_001256850.1); c.76749A>G, p.Pro25583= (NM_133378.4); c.57633A>G, p.Pro19211= (NM_133432.3); c.57258A>G, p.Pro19086= (NM_003319.4); c.57834A>G, p.Pro19278= (NM_133437.4).
Identifiers: ClinVar variation 47436 (VCV000047436.52), dbSNP rs73036373, ClinGen allele CA283946.